The following is an entry in ClinVar:

ClinVar aggregate classification (germline): Uncertain significance. Review status: criteria provided, multiple submitters, no conflicts (2 of 4 stars). 2 submissions from 2 submitters: Uncertain significance (2). Last evaluated 2025-12-02.

Conditions:
HECTD4-related disorder. Also called: HECTD4-related condition.

Allele frequency attached by ClinVar (database versions not stated): ExAC 0.00002; TOPMed 0.00021; gnomAD 0.00011; gnomAD exomes 0.00002.
gnomAD v4.1: 43 of 1,613,922 alleles (0.0027%); highest among the groups gnomAD compares: Admixed American, 0.023%; no homozygotes.

Submissions (2):

Ambry Genetics
Classification: Uncertain significance. Last evaluated: 2025-12-02. Review status: criteria provided, single submitter. Criteria: Ambry Variant Classification Scheme 2023. Collection method: clinical testing. Allele origin: germline.

PreventionGenetics, part of Exact Sciences
Classification: Uncertain significance for HECTD4-related condition. Last evaluated: 2023-06-19. Review status: criteria provided, single submitter. Criteria: ACMG Guidelines, 2015. Collection method: clinical testing. Allele origin: germline.
Comment: The HECTD4 c.7295A>G variant is predicted to result in the amino acid substitution p.Asn2432Ser. To our knowledge, this variant has not been reported in the literature. This variant is reported in 0.0065% of alleles in individuals of African descent in gnomAD. At this time, the clinical significance of this variant is uncertain due to the absence of conclusive functional and genetic evidence.

NM_001388303.1(HECTD4):c.7697A>G (p.Asn2566Ser)

Gene: HECTD4 (HECT domain E3 ubiquitin protein ligase 4; minus strand). Cytogenetic location: 12q24.13.
Variant type: single nucleotide variant.
Coding change: c.7697A>G on transcript NM_001388303.1 (MANE Select); coding-DNA position 7697, A replaced by G.
Protein change: p.Asn2566Ser; replaces asparagine 2566 with serine.
Molecular consequence: missense variant.
Genome position (GRCh38, 1-based): chr12:112,210,185, T>C on the plus strand (A>G on the coding strand, the complement: HECTD4 is on the minus strand). VCF-style: chr12-112210185-T-C. GRCh37 (hg19) VCF-style: chr12-112647989-T-C.
Other names: c.7727A>G, p.Asn2576Ser (NM_001109662.4); short protein forms N2566S, N2576S.
Identifiers: ClinVar variation 2635941 (VCV002635941.3), dbSNP rs773996145, ClinGen allele CA6796767.
Genomic context (GRCh38, chr12:112,210,185, plus strand): 5'-GGCAGGGCCTCAAAGTTAGCGCTGATCTCTTCTGCTAGGTCAGTGCACAGGTCAGCAGCA[T>C]TGCGGTGGGCCTGCCCTTCCGCGTAGGCAAACGGCCGGGAGCCAAAGTTAGCTCGGGTTT-3'
Protein context (NP_001375232.1, residues 2556-2576): FAYAEGQAHR[Asn2566Ser]AADLCTDLAE